The following is an entry in ClinVar:

NM_000179.3(MSH6):c.1598A>G (p.Glu533Gly)

Gene: MSH6 (mutS homolog 6; plus strand). Cytogenetic location: 2p16.3.
Variant type: single nucleotide variant.
Coding change: c.1598A>G on transcript NM_000179.3 (MANE Select); coding-DNA position 1598, A replaced by G.
Protein change: p.Glu533Gly; replaces glutamic acid 533 with glycine.
Molecular consequence: missense variant.
Genome position (GRCh38, 1-based): chr2:47,799,581, A>G. VCF-style: chr2-47799581-A-G. GRCh37 (hg19) VCF-style: chr2-48026720-A-G.
Other names: c.1208A>G, p.Glu403Gly (NM_001281492.2); c.692A>G, p.Glu231Gly (NM_001281493.2, NM_001281494.2); short protein forms E533G, E403G, E231G.
Identifiers: ClinVar variation 919833 (VCV000919833.5), dbSNP rs1553412981, ClinGen allele CA346746946.

ClinVar aggregate classification (germline): Uncertain significance. Review status: criteria provided, multiple submitters, no conflicts (2 of 4 stars). 2 submissions from 2 submitters: Uncertain significance (2). Last evaluated 2024-03-06.

Conditions:
Hereditary cancer-predisposing syndrome. Also called: Neoplastic Syndromes, Hereditary; Tumor predisposition; Hereditary Cancer Syndrome; Hereditary neoplastic syndrome. Identifiers: Orphanet 140162, MedGen C0027672, MeSH D009386, MONDO:0015356.
Lynch syndrome. Identifiers: Orphanet 144, MedGen C4552100, MONDO:0005835. Disease mechanism: loss of function.

Allele frequency attached by ClinVar (database versions not stated): gnomAD exomes below 0.00001.

Submissions (2):

Color Diagnostics, LLC DBA Color Health
Classification: Uncertain significance for Hereditary cancer-predisposing syndrome. Last evaluated: 2024-03-06. Review status: criteria provided, single submitter. Criteria: ACMG Guidelines, 2015. Collection method: clinical testing. Allele origin: germline.
Comment: This missense variant replaces glutamic acid with glycine at codon 533 of the MSH6 protein. Computational prediction suggests that this variant may not impact protein structure and function (internally defined REVEL score threshold <= 0.5, PMID: 27666373). To our knowledge, functional studies have not been reported for this variant. This variant has not been reported in individuals affected with MSH6-related disorders in the literature. This variant has not been identified in the general population by the Genome Aggregation Database (gnomAD). The available evidence is insufficient to determine the role of this variant in disease conclusively. Therefore, this variant is classified as a Variant of Uncertain Significance.

All of Us Research Program, National Institutes of Health
Classification: Uncertain significance for Lynch syndrome. Last evaluated: 2023-04-27. Review status: criteria provided, single submitter. Criteria: ACMG Guidelines, 2015. Collection method: clinical testing. Allele origin: germline. Inheritance: Autosomal dominant inheritance. Observed: 1 variant allele, 1 heterozygote.
Comment: This study involves interpretation of variants in research participants for the purpose of population health screening. Participant phenotype was not available at the time of variant classification. Additional details can be found in publication PMID: 35346344, PMCID: PMC8962531